The following is an entry in ClinVar:

ClinVar aggregate classification (germline): Uncertain significance. Review status: criteria provided, single submitter (1 of 4 stars). 2 submissions from 2 submitters: Uncertain significance (1). 1 of the submissions does not count toward it.

Conditions:
Neurodevelopmental disorder with microcephaly and speech delay, with or without brain abnormalities (NEDMSBA). Identifiers: MedGen C5830413, MONDO:0957218, OMIM 620317.

Submissions (2):

SIB Swiss Institute of Bioinformatics
Classification: Uncertain significance for Neurodevelopmental disorder with microcephaly and speech delay, with or without brain abnormalities. Review status: criteria provided, single submitter. Criteria: ACMG Guidelines, 2015. Collection method: curation. Allele origin: unknown.
Comment: This variant is interpreted as variant of uncertain significance for Neurodevelopmental disorder with microcephaly and speech delay, with or without brain abnormalities, autosomal recessive. The following ACMG Tag(s) were applied: Absent from controls (or at extremely low frequency if recessive) in Exome Sequencing Project, 1000 Genomes Project, or Exome Aggregation Consortium (PM2); Multiple lines of computational evidence support a deleterious effect on the gene or gene product (PP3).

OMIM
Classification: Pathogenic for NEURODEVELOPMENTAL DISORDER WITH MICROCEPHALY AND SPEECH DELAY, WITH BRAIN ABNORMALITIES. Last evaluated: 2023-04-19. Review status: no assertion criteria provided. Collection method: literature only. Allele origin: germline. Not counted in ClinVar's aggregate classification.

Literature cited by the submitters: PubMed 35815345 (cited by SIB Swiss Institute of Bioinformatics); PubMed 34585293 (cited by SIB Swiss Institute of Bioinformatics and OMIM).

NM_004184.4(WARS1):c.997G>A (p.Ala333Thr)

Gene: WARS1 (tryptophanyl-tRNA synthetase 1; minus strand). Cytogenetic location: 14q32.2.
Variant type: single nucleotide variant.
Coding change: c.997G>A on transcript NM_004184.4 (MANE Select); coding-DNA position 997, G replaced by A.
Protein change: p.Ala333Thr; replaces alanine 333 with threonine.
Molecular consequence: missense variant.
Genome position (GRCh38, 1-based): chr14:100,342,514, C>T on the plus strand (G>A on the coding strand, the complement: WARS1 is on the minus strand). VCF-style: chr14-100342514-C-T. GRCh37 (hg19) VCF-style: chr14-100808851-C-T.
Other names: A333T; c.997G>A, p.Ala333Thr (NM_173701.2); c.874G>A, p.Ala292Thr (NM_213645.2, NM_213646.2); short protein forms A292T.
Identifiers: ClinVar variation 2499493 (VCV002499493.2), dbSNP rs2549240480, ClinGen allele CA390979857.